The following is an entry in ClinVar:

ClinVar aggregate classification (germline): Uncertain significance (1 of 4 stars; one submission).

Submission:

GeneDx
Classification: Uncertain significance. Last evaluated: 2024-03-25. Review status: criteria provided, single submitter. Criteria: GeneDx Variant Classification Process June 2021. Collection method: clinical testing. Allele origin: germline. Affected: yes.
Comment: Not observed at significant frequency in large population cohorts (gnomAD); Nonsense variant predicted to result in protein truncation or nonsense mediated decay in a gene or region of a gene for which loss of function is not a well-established mechanism of disease; Has not been previously published as pathogenic or benign to our knowledge

NM_001690.4(ATP6V1A):c.1611del (p.Thr537_Val538insTer)

Gene: ATP6V1A (ATPase H+ transporting V1 subunit A; plus strand). Cytogenetic location: 3q13.31.
Variant type: Deletion.
Coding change: c.1611del on transcript NM_001690.4 (MANE Select); coding-DNA position 1611, one base deleted (A; older notation c.1611delA).
Protein change: p.Thr537_Val538insTer.
Molecular consequence: frameshift variant.
Genome position (GRCh38, 1-based): chr3:113,805,375, A deleted. VCF-style (leftmost placement, unchanged base first): chr3-113805374-CA-C. GRCh37 (hg19) VCF-style: chr3-113524221-CA-C.
Identifiers: ClinVar variation 3371237 (VCV003371237.1).